The following is an entry in ClinVar:

ClinVar aggregate classification (germline): Likely pathogenic (1 of 4 stars; one submission).

Conditions:
Combined oxidative phosphorylation defect type 14. Also called: Combined oxidative phosphorylation deficiency 14. Identifiers: Orphanet 319519, MedGen C4755312, MONDO:0013986, OMIM 614946.

Allele frequency attached by ClinVar (database versions not stated): ExAC 0.00002.
gnomAD v4.1: 18 of 1,613,742 alleles (0.0011%); highest among the groups gnomAD compares: Non-Finnish European, 0.0015%; no homozygotes.

Submission:

Labcorp Genetics (formerly Invitae), Labcorp
Classification: Likely pathogenic for Combined oxidative phosphorylation defect type 14. Last evaluated: 2023-10-18. Review status: criteria provided, single submitter. Criteria: Invitae Variant Classification Sherloc (09022015). Collection method: clinical testing. Allele origin: germline.
Comment: This sequence change replaces glycine, which is neutral and non-polar, with arginine, which is basic and polar, at codon 309 of the FARS2 protein (p.Gly309Arg). This variant is present in population databases (rs746746116, gnomAD 0.0009%). This variant has not been reported in the literature in individuals affected with FARS2-related conditions. Advanced modeling of protein sequence and biophysical properties (such as structural, functional, and spatial information, amino acid conservation, physicochemical variation, residue mobility, and thermodynamic stability) performed at Invitae indicates that this missense variant is expected to disrupt FARS2 protein function. This variant disrupts the p.Gly309 amino acid residue in FARS2. Other variant(s) that disrupt this residue have been determined to be pathogenic (PMID: 28043061, 28419689, 30177229). This suggests that this residue is clinically significant, and that variants that disrupt this residue are likely to be disease-causing. In summary, the currently available evidence indicates that the variant is pathogenic, but additional data are needed to prove that conclusively. Therefore, this variant has been classified as Likely Pathogenic.

Literature cited by the submitters: PubMed 28043061; PubMed 28419689; PubMed 30177229.

NM_006567.5(FARS2):c.925G>C (p.Gly309Arg)

Gene: FARS2 (phenylalanyl-tRNA synthetase 2, mitochondrial; plus strand). Cytogenetic location: 6p25.1.
Variant type: single nucleotide variant.
Coding change: c.925G>C on transcript NM_006567.5 (MANE Select); coding-DNA position 925, G replaced by C.
Protein change: p.Gly309Arg; replaces glycine 309 with arginine.
Molecular consequence: missense variant.
Genome position (GRCh38, 1-based): chr6:5,545,200, G>C. VCF-style: chr6-5545200-G-C. GRCh37 (hg19) VCF-style: chr6-5545433-G-C.
Other names: c.925G>C, p.Gly309Arg (NM_001318872.2, NM_001374875.1, NM_001374876.1 and 4 more transcripts); c.793G>C, p.Gly265Arg (NM_001375258.1); c.229G>C, p.Gly77Arg (NM_001375259.1, NM_001375260.1); short protein forms G265R, G309R, G77R.
Identifiers: ClinVar variation 2874939 (VCV002874939.3), dbSNP rs746746116, ClinGen allele CA3623838.